The following is an entry in ClinVar:

ClinVar aggregate classification (germline): Uncertain significance. Review status: criteria provided, multiple submitters, no conflicts (2 of 4 stars). 2 submissions from 2 submitters: Uncertain significance (2). Last evaluated 2024-12-27.

Conditions:
EHHADH-related disorder. Also called: EHHADH-related condition.

Allele frequency attached by ClinVar (database versions not stated): gnomAD exomes 0.00001 and 0.00003; TOPMed 0.00001; ExAC 0.00004.
gnomAD v4.1: 18 of 1,613,946 alleles (0.0011%); highest among the groups gnomAD compares: Middle Eastern, 0.017%; no homozygotes.

Submissions (2):

PreventionGenetics, part of Exact Sciences
Classification: Uncertain significance for EHHADH-related condition. Last evaluated: 2024-12-27. Review status: criteria provided, single submitter. Criteria: ACMG Guidelines, 2015. Collection method: clinical testing. Allele origin: germline.
Comment: The EHHADH c.49C>T variant is predicted to result in premature protein termination (p.Arg17*). To our knowledge, this variant has not been reported in the literature. This variant is reported in 0.017% of alleles in individuals of Latino descent in gnomAD. At this time, the clinical significance of this variant is uncertain due to the absence of conclusive functional and genetic evidence.

Eurofins Ntd Llc (ga)
Classification: Uncertain significance. Last evaluated: 2017-08-11. Review status: criteria provided, single submitter. Criteria: EGL Classification Definitions 2015. Collection method: clinical testing. Allele origin: germline. Observed: 1 variant allele, 1 heterozygote.

NM_001966.4(EHHADH):c.49C>T (p.Arg17Ter)

Gene: EHHADH (enoyl-CoA hydratase and 3-hydroxyacyl CoA dehydrogenase; minus strand). Cytogenetic location: 3q27.2.
Variant type: single nucleotide variant.
Coding change: c.49C>T on transcript NM_001966.4 (MANE Select); coding-DNA position 49, C replaced by T.
Protein change: p.Arg17Ter; replaces arginine 17 with a stop codon.
Molecular consequence: nonsense. On other transcripts: 5 prime UTR variant (1).
Genome position (GRCh38, 1-based): chr3:185,253,974, G>A on the plus strand (C>T on the coding strand, the complement: EHHADH is on the minus strand). VCF-style: chr3-185253974-G-A. GRCh37 (hg19) VCF-style: chr3-184971762-G-A.
Other names: c.-363C>T (NM_001166415.2); c.49C>T (NM_001966.3); short protein forms R17*.
Identifiers: ClinVar variation 593599 (VCV000593599.6), dbSNP rs769444169, ClinGen allele CA2739355.